The following is an entry in ClinVar:

ClinVar aggregate classification (germline): Uncertain significance (1 of 4 stars; one submission).

Submission:

GeneDx
Classification: Uncertain significance. Last evaluated: 2025-07-25. Review status: criteria provided, single submitter. Criteria: GeneDx Variant Classification Process June 2021. Collection method: clinical testing. Allele origin: germline. Affected: yes.
Comment: Not observed at significant frequency in large population cohorts (gnomAD); In silico analysis supports that this missense variant has a deleterious effect on protein structure/function; Has not been previously published as pathogenic or benign to our knowledge

NM_014991.6(WDFY3):c.1850C>G (p.Pro617Arg)

Gene: WDFY3 (WD repeat and FYVE domain containing 3; minus strand). Cytogenetic location: 4q21.23.
Variant type: single nucleotide variant.
Coding change: c.1850C>G on transcript NM_014991.6 (MANE Select); coding-DNA position 1850, C replaced by G.
Protein change: p.Pro617Arg; replaces proline 617 with arginine.
Molecular consequence: missense variant.
Genome position (GRCh38, 1-based): chr4:84,817,429, G>C on the plus strand (C>G on the coding strand, the complement: WDFY3 is on the minus strand). VCF-style: chr4-84817429-G-C. GRCh37 (hg19) VCF-style: chr4-85738582-G-C.
Other names: short protein forms P617R.
Identifiers: ClinVar variation 4686816 (VCV004686816.1).